The following is an entry in ClinVar:

NM_000152.5(GAA):c.1636+269C>T

Gene: GAA (alpha glucosidase; plus strand). Cytogenetic location: 17q25.3.
Variant type: single nucleotide variant.
Coding change: c.1636+269C>T on transcript NM_000152.5 (MANE Select); 269 bases into the intron after coding-DNA position 1636, C replaced by T.
Molecular consequence: intron variant.
Genome position (GRCh38, 1-based): chr17:80,111,294, C>T. VCF-style: chr17-80111294-C-T. GRCh37 (hg19) VCF-style: chr17-78085093-C-T.
Other names: c.1636+269C>T (NM_001079803.3, NM_001079804.3).
Identifiers: ClinVar variation 1226226 (VCV001226226.4), dbSNP rs111625854, ClinGen allele CA294895373.

ClinVar aggregate classification (germline): Benign. Review status: criteria provided, multiple submitters, no conflicts (2 of 4 stars). 2 submissions from 2 submitters: Benign (2). Last evaluated 2026-07-01.

Conditions:
Glycogen storage disease, type II (IOPD). Also called: CARDIOMEGALIA GLYCOGENICA DIFFUSA; GLYCOGENOSIS, GENERALIZED, CARDIAC FORM; GSD II; Glycogen storage disease type 2; Acid maltase deficiency disease; Aglucosidase alfa. Identifiers: Orphanet 365, MedGen C0017921, MONDO:0009290, OMIM 232300.

Allele frequency attached by ClinVar (database versions not stated): gnomAD 0.01626 and 0.01737; 1000 Genomes Project 0.01717; 1000 Genomes Project 30x 0.01827; TOPMed 0.01858.
gnomAD v4.1: 2,448 of 152,334 alleles (1.6%); highest among the groups gnomAD compares: African/African-American, 5.7%; 85 homozygotes.

Submissions (2):

Genomenon, Inc
Classification: Benign for Glycogen storage disease, type II. Last evaluated: 2026-07-01. Review status: criteria provided, single submitter. Criteria: Genomenon Sequence Variant Interpretation Standards - Updated. Collection method: curation. Allele origin: germline. Affected: no.
Comment: GAA c.1636+269C>T is an intronic variant located in intron 11. This variant is present at high allele frequency in population databases. We classify GAA c.1636+269C>T as a benign variant.

GeneDx
Classification: Benign. Last evaluated: 2018-07-10. Review status: criteria provided, single submitter. Criteria: GeneDx Variant Classification Process June 2021. Collection method: clinical testing. Allele origin: germline. Affected: yes.